The following is an entry in ClinVar:

ClinVar aggregate classification (germline): Uncertain significance (1 of 4 stars; one submission).

Conditions:
Aicardi-Goutieres syndrome 2. Identifiers: Orphanet 51, MedGen C3489724, MONDO:0012429, OMIM 610181.

Submission:

Labcorp Genetics (formerly Invitae), Labcorp
Classification: Uncertain significance for Aicardi-Goutieres syndrome 2. Last evaluated: 2022-03-18. Review status: criteria provided, single submitter. Criteria: Invitae Variant Classification Sherloc (09022015). Collection method: clinical testing. Allele origin: germline.
Comment: This sequence change replaces leucine, which is neutral and non-polar, with phenylalanine, which is neutral and non-polar, at codon 241 of the RNASEH2B protein (p.Leu241Phe). This variant is not present in population databases (gnomAD no frequency). This variant has not been reported in the literature in individuals affected with RNASEH2B-related conditions. Algorithms developed to predict the effect of missense changes on protein structure and function (SIFT, PolyPhen-2, Align-GVGD) all suggest that this variant is likely to be tolerated. In summary, the available evidence is currently insufficient to determine the role of this variant in disease. Therefore, it has been classified as a Variant of Uncertain Significance.

NM_024570.4(RNASEH2B):c.723G>C (p.Leu241Phe)

Gene: RNASEH2B (ribonuclease H2 subunit B; plus strand). Cytogenetic location: 13q14.3.
Variant type: single nucleotide variant.
Coding change: c.723G>C on transcript NM_024570.4 (MANE Select); coding-DNA position 723, G replaced by C.
Protein change: p.Leu241Phe; replaces leucine 241 with phenylalanine.
Molecular consequence: missense variant.
Genome position (GRCh38, 1-based): chr13:50,949,487, G>C. VCF-style: chr13-50949487-G-C. GRCh37 (hg19) VCF-style: chr13-51523623-G-C.
Other names: c.723G>C, p.Leu241Phe (NM_001142279.2, NM_001411023.1); short protein forms L241F.
Identifiers: ClinVar variation 2113836 (VCV002113836.4), dbSNP rs1593476321, ClinGen allele CA388260007.
Genomic context (GRCh38, chr13:50,949,487, plus strand): 5'-AACGATGACTTTGATTGTTATTTTTAACTTTCTTAGGCTTCCAGAACCTTCAGCCTCATT[G>C]CCAAATCCTCCATCAAAGGTAAGAAGCTGTGACTAAGATATCTTTGGGGGACTTAGAAAA-3'
Protein context (NP_078846.2, residues 231-251): YLKLPEPSAS[Leu241Phe]PNPPSKKIKL